The following is an entry in ClinVar:

NM_003072.5(SMARCA4):c.1594-99T>C

Gene: SMARCA4 (SWI/SNF related BAF chromatin remodeling complex subunit ATPase 4; plus strand). Cytogenetic location: 19p13.2.
Variant type: single nucleotide variant.
Coding change: c.1594-99T>C on transcript NM_003072.5 (MANE Select); 99 bases into the intron before coding-DNA position 1594, T replaced by C.
Molecular consequence: intron variant.
Genome position (GRCh38, 1-based): chr19:10,996,114, T>C. VCF-style: chr19-10996114-T-C. GRCh37 (hg19) VCF-style: chr19-11106790-T-C.
Other names: c.1594-99T>C (NM_001128844.3, NM_001128849.3, NM_001128847.4 and 5 more transcripts).
Identifiers: ClinVar variation 676511 (VCV000676511.2), dbSNP rs11669202, ClinGen allele CA14635539.

ClinVar aggregate classification (germline): Benign. Review status: criteria provided, multiple submitters, no conflicts (2 of 4 stars). 2 submissions from 2 submitters: Benign (2). Last evaluated 2018-06-15.

Allele frequency attached by ClinVar (database versions not stated): TOPMed 0.32144; 1000 Genomes Project 30x 0.32714; gnomAD 0.33135 and 0.33518; 1000 Genomes Project 0.33267.
gnomAD v4.1: 432,499 of 1,199,340 alleles (36%); highest among the groups gnomAD compares: South Asian, 48%; 80,278 homozygotes.

Submissions (2):

GeneDx
Classification: Benign. Last evaluated: 2018-06-15. Review status: criteria provided, single submitter. Criteria: GeneDx Variant Classification (06012015). Collection method: clinical testing. Allele origin: germline. Affected: yes.
Comment: This variant is considered likely benign or benign based on one or more of the following criteria: it is a conservative change, it occurs at a poorly conserved position in the protein, it is predicted to be benign by multiple in silico algorithms, and/or has population frequency not consistent with disease.

Breakthrough Genomics
Classification: Benign. Review status: criteria provided, single submitter. Criteria: ACMG Guidelines, 2015. Collection method: not provided. Allele origin: germline. Inheritance: Autosomal dominant inheritance. Affected: yes.